The following is an entry in ClinVar:

ClinVar aggregate classification (germline): Uncertain significance. Review status: criteria provided, multiple submitters, no conflicts (2 of 4 stars). 2 submissions from 2 submitters: Uncertain significance (2). Last evaluated 2026-03-24.

Conditions:
DSPP-related disorder. Also called: DSPP-related condition.

Allele frequency attached by ClinVar (database versions not stated): gnomAD exomes below 0.00001; ExAC 0.00002.

Submissions (2):

PreventionGenetics, part of Exact Sciences
Classification: Uncertain significance for DSPP-related condition. Last evaluated: 2026-03-24. Review status: criteria provided, single submitter. Criteria: ACMG Guidelines, 2015. Collection method: clinical testing. Allele origin: germline.
Comment: The DSPP c.703G>A variant is predicted to result in the amino acid substitution p.Glu235Lys. To our knowledge, this variant has not been reported in the literature. This variant is reported in 0.0033% of alleles in individuals of South Asian descent in gnomAD. At this time, the clinical significance of this variant is uncertain due to the absence of conclusive functional and genetic evidence.

GeneDx
Classification: Uncertain significance. Last evaluated: 2020-01-21. Review status: criteria provided, single submitter. Criteria: GeneDx Variant Classification Process June 2021. Collection method: clinical testing. Allele origin: germline. Affected: yes.
Comment: Not observed at a significant frequency in large population cohorts (Lek et al., 2016); In silico analysis, which includes protein predictors and evolutionary conservation, supports that this variant does not alter protein structure/function; Has not been previously published as pathogenic or benign to our knowledge

NM_014208.3(DSPP):c.703G>A (p.Glu235Lys)

Genes: DMP1-AS1 (DMP1 and DSPP antisense RNA 1; minus strand), DSPP (dentin sialophosphoprotein; plus strand). Cytogenetic location: 4q22.1.
Variant type: single nucleotide variant.
Coding change: c.703G>A on transcript NM_014208.3 (MANE Select); coding-DNA position 703, G replaced by A.
Protein change: p.Glu235Lys; replaces glutamic acid 235 with lysine.
Molecular consequence: missense variant.
Genome position (GRCh38, 1-based): chr4:87,612,889, G>A. VCF-style: chr4-87612889-G-A. GRCh37 (hg19) VCF-style: chr4-88534041-G-A.
Other names: short protein forms E235K.
Identifiers: ClinVar variation 1206841 (VCV001206841.4), dbSNP rs778544831, ClinGen allele CA3000938.
Genomic context (GRCh38, chr4:87,612,889, plus strand): 5'-CCTCAGATCAACAGCAAGAGAAATGGGACTAAGGAAGCTGAGGTAACACCAGGCACTGGA[G>A]AAGATGCTGGCCTGGATAATTCCGATGGGAGTCCTAGTGGGAATGGAGCAGATGAGGATG-3'
Protein context (NP_055023.2, residues 225-245): KEAEVTPGTG[Glu235Lys]DAGLDNSDGS